The following is an entry in ClinVar:

NM_006904.7(PRKDC):c.2365T>C (p.Tyr789His)

Gene: PRKDC (protein kinase, DNA-activated, catalytic subunit; minus strand). Cytogenetic location: 8q11.21.
Variant type: single nucleotide variant.
Coding change: c.2365T>C on transcript NM_006904.7 (MANE Select); coding-DNA position 2365, T replaced by C.
Protein change: p.Tyr789His; replaces tyrosine 789 with histidine.
Molecular consequence: missense variant.
Genome position (GRCh38, 1-based): chr8:47,927,248, A>G on the plus strand (T>C on the coding strand, the complement: PRKDC is on the minus strand). VCF-style: chr8-47927248-A-G. GRCh37 (hg19) VCF-style: chr8-48839808-A-G.
Other names: c.2365T>C, p.Tyr789His (NM_001081640.2); short protein forms Y789H.
Identifiers: ClinVar variation 3225788 (VCV003225788.1), dbSNP rs751047513, ClinGen allele CA371161754.

ClinVar aggregate classification (germline): Uncertain significance (1 of 4 stars; one submission).

gnomAD v4.1: 1 of 1,613,870 alleles (0.000062%); highest among the groups gnomAD compares: Non-Finnish European, 0.000085%; no homozygotes.

Submission:

Ambry Genetics
Classification: Uncertain significance. Last evaluated: 2023-09-22. Review status: criteria provided, single submitter. Criteria: Ambry Variant Classification Scheme 2023. Collection method: clinical testing. Allele origin: germline.
Comment: The p.Y789H variant (also known as c.2365T>C), located in coding exon 21 of the PRKDC gene, results from a T to C substitution at nucleotide position 2365. The tyrosine at codon 789 is replaced by histidine, an amino acid with similar properties. This amino acid position is conserved. In addition, the in silico prediction for this alteration is inconclusive. Since supporting evidence is limited at this time, the clinical significance of this alteration remains unclear.